The following is an entry in ClinVar:

NM_003227.4(TFR2):c.2008A>C (p.Thr670Pro)

Genes: TFR2 (transferrin receptor 2; minus strand), LOC113687175 (Sharpr-MPRA regulatory region 4647; plus strand). Cytogenetic location: 7q22.1.
Variant type: single nucleotide variant.
Coding change: c.2008A>C on transcript NM_003227.4 (MANE Select); coding-DNA position 2008, A replaced by C.
Protein change: p.Thr670Pro; replaces threonine 670 with proline.
Molecular consequence: missense variant.
Genome position (GRCh38, 1-based): chr7:100,626,891, T>G on the plus strand (A>C on the coding strand, the complement: TFR2 is on the minus strand). VCF-style: chr7-100626891-T-G. GRCh37 (hg19) VCF-style: chr7-100224514-T-G.
Other names: c.1495A>C, p.Thr499Pro (NM_001206855.3); short protein forms T499P, T670P.
Identifiers: ClinVar variation 2063958 (VCV002063958.4), dbSNP rs2486115324, ClinGen allele CA368523059.

ClinVar aggregate classification (germline): Uncertain significance (1 of 4 stars; one submission).

Conditions:
Hereditary hemochromatosis (HFE). Identifiers: MedGen C0392514, MONDO:0006507. Disease mechanism: loss of function.

Allele frequency attached by ClinVar (database versions not stated): gnomAD exomes below 0.00001.
gnomAD v4.1: 1 of 1,542,088 alleles (0.000065%); highest among the groups gnomAD compares: Non-Finnish European, 0.000087%; no homozygotes.

Submission:

Labcorp Genetics (formerly Invitae), Labcorp
Classification: Uncertain significance for Hereditary hemochromatosis. Last evaluated: 2021-12-28. Review status: criteria provided, single submitter. Criteria: Invitae Variant Classification Sherloc (09022015). Collection method: clinical testing. Allele origin: germline.
Comment: In summary, the available evidence is currently insufficient to determine the role of this variant in disease. Therefore, it has been classified as a Variant of Uncertain Significance. Algorithms developed to predict the effect of missense changes on protein structure and function are either unavailable or do not agree on the potential impact of this missense change (SIFT: "Deleterious"; PolyPhen-2: "Probably Damaging"; Align-GVGD: "Class C0"). This variant has not been reported in the literature in individuals affected with TFR2-related conditions. This variant is not present in population databases (gnomAD no frequency). This sequence change replaces threonine, which is neutral and polar, with proline, which is neutral and non-polar, at codon 670 of the TFR2 protein (p.Thr670Pro).